The following is an entry in ClinVar:

NM_201384.3(PLEC):c.13003G>A (p.Ala4335Thr)

Gene: PLEC (plectin; minus strand). Cytogenetic location: 8q24.3.
Variant type: single nucleotide variant.
Coding change: c.13003G>A on transcript NM_201384.3 (MANE Select); coding-DNA position 13003, G replaced by A.
Protein change: p.Ala4335Thr; replaces alanine 4335 with threonine.
Molecular consequence: missense variant.
Genome position (GRCh38, 1-based): chr8:143,916,818, C>T on the plus strand (G>A on the coding strand, the complement: PLEC is on the minus strand). VCF-style: chr8-143916818-C-T. GRCh37 (hg19) VCF-style: chr8-144990986-C-T.
Other names: c.13084G>A, p.Ala4362Thr (NM_000445.5); c.12961G>A, p.Ala4321Thr (NM_201378.4); c.12937G>A, p.Ala4313Thr (NM_201379.3); c.13414G>A, p.Ala4472Thr (NM_201380.4); c.12907G>A, p.Ala4303Thr (NM_201381.3); c.13003G>A, p.Ala4335Thr (NM_201382.4); c.13015G>A, p.Ala4339Thr (NM_201383.3); short protein forms A4303T, A4339T, A4472T, A4313T, A4335T, A4362T, A4321T.
Identifiers: ClinVar variation 962886 (VCV000962886.10), dbSNP rs1416802915, ClinGen allele CA372477408.
Genomic context (GRCh38, chr8:143,916,818, plus strand): 5'-CCTTCTGGGCCAGGTTGATGCGGTCCACCATGATCTTGTCCACCAGGCCCTTGTTGACGG[C>T]GTCGGTGACAGGGAAGCGCTCACCGGTGCTGGGGTCGATGATGCCCCCGGTGCAGGCCTG-3'
Protein context (NP_958786.1, residues 4325-4345): STGERFPVTD[Ala4335Thr]VNKGLVDKIM

ClinVar aggregate classification (germline): Uncertain significance (1 of 4 stars; one submission).

Conditions:
Epidermolysis bullosa simplex 5B, with muscular dystrophy (EBS5B). Also called: Epidermolysis bullosa simplex with muscular dystrophy; EPIDERMOLYSIS BULLOSA SIMPLEX AND LIMB-GIRDLE MUSCULAR DYSTROPHY. Identifiers: Orphanet 257, MedGen C2931072, MONDO:0009181, OMIM 226670.
Epidermolysis bullosa simplex, Ogna type (EBS5A). Also called: Pidermolysis bullosa simplex 5A, Ogna type; EPIDERMOLYSIS BULLOSA SIMPLEX 5A, OGNA TYPE. Identifiers: Orphanet 79401, MedGen C0432317, MONDO:0007555, OMIM 131950.
Autosomal recessive limb-girdle muscular dystrophy type 2Q (LGMDR17). Also called: MUSCULAR DYSTROPHY, LIMB-GIRDLE, AUTOSOMAL RECESSIVE 17. Identifiers: Orphanet 254361, MedGen C3150989, MONDO:0013390, OMIM 613723.
Epidermolysis bullosa simplex with nail dystrophy (EBS5D). Identifiers: MedGen C4225309, MONDO:0014661, OMIM 616487.
Epidermolysis bullosa simplex 5C, with pyloric atresia (EBS5C). Also called: Epidermolysis bullosa simplex with pyloric atresia; PLEC-Related Epidermolysis Bullosa with Pyloric Atresia; PLEC1-Related Epidermolysis Bullosa with Pyloric Atresia. Identifiers: Orphanet 158684, MedGen C2677349, MONDO:0012807, OMIM 612138.

Allele frequency attached by ClinVar (database versions not stated): gnomAD exomes below 0.00001; gnomAD 0.00001; TOPMed 0.00001.
gnomAD v4.1: 7 of 1,612,980 alleles (0.00043%); highest among the groups gnomAD compares: Admixed American, 0.0033%; no homozygotes.

Submission:

Labcorp Genetics (formerly Invitae), Labcorp
Classification: Uncertain significance for Autosomal recessive limb-girdle muscular dystrophy type 2Q; Epidermolysis bullosa simplex, Ogna type; Epidermolysis bullosa simplex with nail dystrophy; Epidermolysis bullosa simplex 5C, with pyloric atresia; Epidermolysis bullosa simplex 5B, with muscular dystrophy. Last evaluated: 2022-11-24. Review status: criteria provided, single submitter. Criteria: Invitae Variant Classification Sherloc (09022015). Collection method: clinical testing. Allele origin: germline.
Comment: In summary, the available evidence is currently insufficient to determine the role of this variant in disease. Therefore, it has been classified as a Variant of Uncertain Significance. Algorithms developed to predict the effect of missense changes on protein structure and function (SIFT, PolyPhen-2, Align-GVGD) all suggest that this variant is likely to be disruptive. ClinVar contains an entry for this variant (Variation ID: 962886). This variant has not been reported in the literature in individuals affected with PLEC-related conditions. This variant is present in population databases (no rsID available, gnomAD 0.007%). This sequence change replaces alanine, which is neutral and non-polar, with threonine, which is neutral and polar, at codon 4362 of the PLEC protein (p.Ala4362Thr).